The following is an entry in ClinVar:

NM_000016.6(ACADM):c.599+2T>C

Gene: ACADM (acyl-CoA dehydrogenase medium chain; plus strand). Cytogenetic location: 1p31.1.
Variant type: single nucleotide variant.
Coding change: c.599+2T>C on transcript NM_000016.6 (MANE Select); the canonical splice donor site of the intron after coding-DNA position 599, T replaced by C.
Molecular consequence: splice donor variant.
Genome position (GRCh38, 1-based): chr1:75,740,112, T>C. VCF-style: chr1-75740112-T-C. GRCh37 (hg19) VCF-style: chr1-76205797-T-C.
Other names: c.611+2T>C (NM_001127328.3); c.698+2T>C (NM_001286043.2); c.491+2T>C (NM_001286042.2); c.32+2T>C (NM_001286044.2).
Identifiers: ClinVar variation 370479 (VCV000370479.13), dbSNP rs148260275, ClinGen allele CA913142.

ClinVar aggregate classification (germline): Pathogenic. Review status: criteria provided, multiple submitters, no conflicts (2 of 4 stars). 3 submissions from 3 submitters: Pathogenic (2). 1 of the submissions does not count toward it. Last evaluated 2026-01-23.

Conditions:
Medium-chain acyl-coenzyme A dehydrogenase deficiency (ACADMD). Also called: MCADH DEFICIENCY; MCADD; Medium chain acyl-CoA dehydrogenase deficiency; MCAD Deficiency; ACADM DEFICIENCY; CARNITINE DEFICIENCY SECONDARY TO MEDIUM-CHAIN ACYL-CoA DEHYDROGENASE DEFICIENCY. Identifiers: Orphanet 42, MedGen C0220710, MONDO:0008721, OMIM 201450.

Allele frequency attached by ClinVar (database versions not stated): gnomAD exomes below 0.00001; ExAC 0.00001; gnomAD 0.00001; TOPMed 0.00001; ESP Exome Variant Server 0.00008.
gnomAD v4.1: 3 of 1,609,228 alleles (0.00019%); highest among the groups gnomAD compares: African/African-American, 0.0013%; no homozygotes.

Submissions (3):

Natera, Inc.
Classification: Pathogenic for Medium Chain Acyl-CoA Dehydrogenase Deficiency. Last evaluated: 2026-01-23. Review status: criteria provided, single submitter. Criteria: Natera Variant Classification Schema (03/2026). Collection method: clinical testing. Allele origin: germline.
Comment: The c.599+2T>C variant in ACADM is a canonical splice donor site variant predicted to affect pre-mRNA splicing, which may result in an abnormal transcript and altered protein product. This variant is expected to result in nonsense mediated decay, truncation, or a dysfunctional protein product. This variant is rare in the general population with a frequency below the threshold expected for the associated phenotype(s). This variant has been observed in one or more individuals affected with the associated recessive disease, as either homozygous or compound heterozygous with a second variant (PMID: 20434380). Given the available evidence, this variant is classified as Pathogenic.

Labcorp Genetics (formerly Invitae), Labcorp
Classification: Pathogenic for Medium-chain acyl-coenzyme A dehydrogenase deficiency. Last evaluated: 2025-12-16. Review status: criteria provided, single submitter. Criteria: Invitae Variant Classification Sherloc (09022015). Collection method: clinical testing. Allele origin: germline.
Comment: This sequence change affects a donor splice site in intron 7 of the ACADM gene. It is expected to disrupt RNA splicing. Variants that disrupt the donor or acceptor splice site typically lead to a loss of protein function (PMID: 16199547), and loss-of-function variants in ACADM are known to be pathogenic (PMID: 16121256, 20434380). This variant is present in population databases (rs148260275, gnomAD 0.007%). Disruption of this splice site has been observed in individual(s) with medium-chain acyl-coenzyme A dehydrogenase (MCAD) deficiency (PMID: 20434380). ClinVar contains an entry for this variant (Variation ID: 370479). Algorithms developed to predict the effect of sequence changes on RNA splicing suggest that this variant may disrupt the consensus splice site. For these reasons, this variant has been classified as Pathogenic.

Counsyl
Classification: Likely pathogenic for Medium-chain acyl-coenzyme A dehydrogenase deficiency. Last evaluated: 2016-02-18. Review status: no assertion criteria provided. Collection method: clinical testing. Allele origin: unknown. Not counted in ClinVar's aggregate classification.

Literature cited by the submitters: PubMed 20434380 (cited by Natera, Inc. and Labcorp Genetics (formerly Invitae), Labcorp); PubMed 16199547 (cited by Labcorp Genetics (formerly Invitae), Labcorp); PubMed 16121256 (cited by Labcorp Genetics (formerly Invitae), Labcorp).